The following is an entry in ClinVar:

ClinVar aggregate classification (germline): Uncertain significance (1 of 4 stars; one submission).

Conditions:
SPEN-related disorder. Also called: SPEN-related condition.

Allele frequency attached by ClinVar (database versions not stated): gnomAD exomes below 0.00001.
gnomAD v4.1: 5 of 1,614,192 alleles (0.00031%); highest among the groups gnomAD compares: Non-Finnish European, 0.00042%; no homozygotes.

Submission:

PreventionGenetics, part of Exact Sciences
Classification: Uncertain significance for SPEN-related condition. Last evaluated: 2023-04-03. Review status: criteria provided, single submitter. Criteria: ACMG Guidelines, 2015. Collection method: clinical testing. Allele origin: germline.
Comment: The SPEN c.4253G>A variant is predicted to result in the amino acid substitution p.Arg1418Gln. To our knowledge, this variant has not been reported in the literature or in a large population database, indicating this variant is rare. At this time, the clinical significance of this variant is uncertain due to the absence of conclusive functional and genetic evidence.

NM_015001.3(SPEN):c.4253G>A (p.Arg1418Gln)

Gene: SPEN (spen family transcriptional repressor; plus strand). Cytogenetic location: 1p36.13.
Variant type: single nucleotide variant.
Coding change: c.4253G>A on transcript NM_015001.3 (MANE Select); coding-DNA position 4253, G replaced by A.
Protein change: p.Arg1418Gln; replaces arginine 1418 with glutamine.
Molecular consequence: missense variant.
Genome position (GRCh38, 1-based): chr1:15,930,493, G>A. VCF-style: chr1-15930493-G-A. GRCh37 (hg19) VCF-style: chr1-16256988-G-A.
Other names: short protein forms R1418Q.
Identifiers: ClinVar variation 2633704 (VCV002633704.1), dbSNP rs938826668, ClinGen allele CA18278175.